The following is an entry in ClinVar:

ClinVar aggregate classification (germline): Uncertain significance (1 of 4 stars; one submission).

Conditions:
GTP cyclohydrolase I deficiency. Identifiers: MedGen C0268467, MONDO:0100184.
Dystonia 5 (DRD). Also called: DYSTONIA, PROGRESSIVE, WITH DIURNAL VARIATION; DYSTONIA-PARKINSONISM WITH DIURNAL FLUCTUATION; Dystonia, DOPA-responsive, with or without hyperphenylalaninemia; GTP Cyclohydrolase 1-Deficient Dopa-Responsive Dystonia; DYT-GCH1. Identifiers: Orphanet 98808, MedGen C1851920, MONDO:0007495, OMIM 128230.

Allele frequency attached by ClinVar (database versions not stated): 1000 Genomes Project 0.00020; 1000 Genomes Project 30x 0.00031.
gnomAD v4.1: 17 of 1,483,228 alleles (0.0011%); highest among the groups gnomAD compares: South Asian, 0.021%; no homozygotes.

Submission:

Labcorp Genetics (formerly Invitae), Labcorp
Classification: Uncertain significance for GTP cyclohydrolase I deficiency; Dystonia 5. Last evaluated: 2022-02-03. Review status: criteria provided, single submitter. Criteria: Invitae Variant Classification Sherloc (09022015). Collection method: clinical testing. Allele origin: germline.
Comment: This sequence change replaces alanine, which is neutral and non-polar, with serine, which is neutral and polar, at codon 8 of the GCH1 protein (p.Ala8Ser). This variant is present in population databases (rs529381971, gnomAD 0.01%). This variant has not been reported in the literature in individuals affected with GCH1-related conditions. ClinVar contains an entry for this variant (Variation ID: 966562). Advanced modeling of protein sequence and biophysical properties (such as structural, functional, and spatial information, amino acid conservation, physicochemical variation, residue mobility, and thermodynamic stability) performed at Invitae indicates that this missense variant is not expected to disrupt GCH1 protein function. In summary, the available evidence is currently insufficient to determine the role of this variant in disease. Therefore, it has been classified as a Variant of Uncertain Significance.

NM_000161.3(GCH1):c.22G>T (p.Ala8Ser)

Genes: GCH1 (GTP cyclohydrolase 1; minus strand), LOC130055692 (ATAC-STARR-seq lymphoblastoid silent region 5776; plus strand). Cytogenetic location: 14q22.2.
Variant type: single nucleotide variant.
Coding change: c.22G>T on transcript NM_000161.3 (MANE Select); coding-DNA position 22, G replaced by T.
Protein change: p.Ala8Ser; replaces alanine 8 with serine.
Molecular consequence: missense variant.
Genome position (GRCh38, 1-based): chr14:54,902,642, C>A on the plus strand (G>T on the coding strand, the complement: GCH1 is on the minus strand). VCF-style: chr14-54902642-C-A. GRCh37 (hg19) VCF-style: chr14-55369360-C-A.
Other names: c.22G>T, p.Ala8Ser (NM_001024024.2, NM_001024070.2, NM_001024071.2); short protein forms A8S.
Identifiers: ClinVar variation 966562 (VCV000966562.7), dbSNP rs529381971, ClinGen allele CA260531806.